The following is an entry in ClinVar:

ClinVar aggregate classification (germline): Conflicting classifications of pathogenicity. Review status: criteria provided, conflicting classifications (1 of 4 stars). 4 submissions from 4 submitters: Likely pathogenic (1); Uncertain significance (3). Last evaluated 2024-08-06.

Conditions:
Asphyxiating thoracic dystrophy 3. Also called: Saldino-Noonan Syndrome; SHORT-RIB THORACIC DYSPLASIA 3 WITH OR WITHOUT POLYDACTYLY; POLYDACTYLY WITH NEONATAL CHONDRODYSTROPHY, TYPE I; SHORT-RIB THORACIC DYSPLASIA 3/6 WITH POLYDACTYLY, DIGENIC; Short rib polydactyly syndrome 2B. Identifiers: Orphanet 474, Orphanet 93269, Orphanet 93270, Orphanet 93271, MedGen C0036069, MONDO:0013127, OMIM 613091.

Allele frequency attached by ClinVar (database versions not stated): gnomAD exomes below 0.00001; TOPMed below 0.00001.
gnomAD v4.1: 7 of 1,608,378 alleles (0.00044%); highest among the groups gnomAD compares: African/African-American, 0.0053%; no homozygotes.

Submissions (4):

Blueprint Genetics
Classification: Uncertain significance. Last evaluated: 2024-08-06. Review status: criteria provided, single submitter. Criteria: ACMG Guidelines, 2015. Collection method: clinical testing. Allele origin: germline.

Baylor Genetics
Classification: Uncertain significance for Asphyxiating thoracic dystrophy 3. Last evaluated: 2019-07-31. Review status: criteria provided, single submitter. Criteria: ACMG Guidelines, 2015. Collection method: clinical testing. Allele origin: unknown. Affected: yes.
Comment: This variant was determined to be of uncertain significance according to ACMG Guidelines, 2015 [PMID:25741868].

Eurofins Ntd Llc (ga)
Classification: Uncertain significance. Last evaluated: 2017-11-21. Review status: criteria provided, single submitter. Criteria: EGL Classification Definitions 2015. Collection method: clinical testing. Allele origin: germline. Observed: 1 variant allele, 1 heterozygote.

Clinical Genetics and Genomics, Karolinska University Hospital
Classification: Likely pathogenic. Last evaluated: 2015-01-05. Review status: criteria provided, single submitter. Criteria: ACMG Guidelines, 2015. Collection method: clinical testing. Allele origin: germline. Affected: yes. Observed: 3 variant alleles.

NM_001377.3(DYNC2H1):c.12581C>T (p.Ser4194Phe)

Gene: DYNC2H1 (dynein cytoplasmic 2 heavy chain 1; plus strand). Cytogenetic location: 11q22.3.
Variant type: single nucleotide variant.
Coding change: c.12581C>T on transcript NM_001377.3 (MANE Select); coding-DNA position 12581, C replaced by T.
Protein change: p.Ser4194Phe; replaces serine 4194 with phenylalanine.
Molecular consequence: missense variant.
Genome position (GRCh38, 1-based): chr11:103,456,289, C>T. VCF-style: chr11-103456289-C-T. GRCh37 (hg19) VCF-style: chr11-103327017-C-T.
Other names: c.12602C>T, p.Ser4201Phe (NM_001080463.2); short protein forms S4201F, S4194F.
Identifiers: ClinVar variation 281351 (VCV000281351.9), dbSNP rs886042136, ClinGen allele CA10603853.